The following is an entry in ClinVar:

NM_001012339.3(DNAJC21):c.983+1G>T

Gene: DNAJC21 (DnaJ heat shock protein family (Hsp40) member C21; plus strand). Cytogenetic location: 5p13.2.
Variant type: single nucleotide variant.
Coding change: c.983+1G>T on transcript NM_001012339.3 (MANE Select); the canonical splice donor site of the intron after coding-DNA position 983, G replaced by T.
Molecular consequence: splice donor variant.
Genome position (GRCh38, 1-based): chr5:34,941,184, G>T. VCF-style: chr5-34941184-G-T. GRCh37 (hg19) VCF-style: chr5-34941289-G-T.
Other names: 983+1G-T; c.983+1G>T (NM_001348420.2, NM_194283.4).
Identifiers: ClinVar variation 253171 (VCV000253171.2), dbSNP rs368148362, ClinGen allele CA3228646.

ClinVar aggregate classification (germline): Likely pathogenic. Review status: criteria provided, single submitter (1 of 4 stars). 2 submissions from 2 submitters: Likely pathogenic (1). 1 of the submissions does not count toward it.

Conditions:
Bone marrow failure syndrome 3 (BMFS3). Identifiers: MedGen C4310744, MONDO:0014887, OMIM 617052.

gnomAD v4.1: 1 of 1,613,314 alleles (0.000062%); highest among the groups gnomAD compares: South Asian, 0.0011%; no homozygotes.

Submissions (2):

Neuberg Centre For Genomic Medicine, NCGM
Classification: Likely pathogenic for Bone marrow failure syndrome 3. Review status: criteria provided, single submitter. Criteria: ACMG Guidelines, 2015. Collection method: clinical testing. Allele origin: germline. Inheritance: Autosomal recessive inheritance. Affected: yes.
Comment: The observed splice donor variant c.983+1G>T in DNAJC21 gene has been reported previously in homozygous state in two individuals with Bone Marrow Failure Syndrome/ Shwachman-Diamond syndrome (Tummala H, et al., 2016, Warren AJ, 2018). The c.983+1G>T variant has 0.001% allele frequency in gnomAD Exomes. This variant has been reported to the ClinVar database as Pathogenic. The variant affects the GT donor splice site downstream of exon 7. This variant is predicted to be damaging by SpliceAI Prediction. This variant is predicted to cause loss of normal protein function through protein truncation. Loss of function variants have been previously reported to be disease causing.For these reasons, this variant has been classified as Likely Pathogenic.

OMIM
Classification: Pathogenic for BONE MARROW FAILURE SYNDROME 3. Last evaluated: 2016-07-28. Review status: no assertion criteria provided. Collection method: literature only. Allele origin: germline. Not counted in ClinVar's aggregate classification.

Literature cited by the submitters: PubMed 27346687 (cited by OMIM).